The following is an entry in ClinVar:

ClinVar aggregate classification (germline): Uncertain significance. Review status: criteria provided, multiple submitters, no conflicts (2 of 4 stars). 2 submissions from 2 submitters: Uncertain significance (2). Last evaluated 2023-10-06.

Conditions:
Hereditary nonpolyposis colorectal neoplasms. Identifiers: MedGen C0009405, MeSH D003123.
Hereditary cancer-predisposing syndrome. Also called: Neoplastic Syndromes, Hereditary; Tumor predisposition; Hereditary neoplastic syndrome; Hereditary Cancer Syndrome. Identifiers: Orphanet 140162, MedGen C0027672, MeSH D009386, MONDO:0015356.

Submissions (2):

Ambry Genetics
Classification: Uncertain significance for Hereditary cancer-predisposing syndrome. Last evaluated: 2023-10-06. Review status: criteria provided, single submitter. Criteria: Ambry Variant Classification Scheme 2023. Collection method: clinical testing. Allele origin: germline.
Comment: The p.R1172K variant (also known as c.3515G>A), located in coding exon 6 of the MSH6 gene, results from a G to A substitution at nucleotide position 3515. The arginine at codon 1172 is replaced by lysine, an amino acid with highly similar properties. This amino acid position is conserved. In addition, this alteration is predicted to be deleterious by in silico analysis. Since supporting evidence is limited at this time, the clinical significance of this alteration remains unclear.

Labcorp Genetics (formerly Invitae), Labcorp
Classification: Uncertain significance for Hereditary nonpolyposis colorectal neoplasms. Last evaluated: 2021-05-05. Review status: criteria provided, single submitter. Criteria: Invitae Variant Classification Sherloc (09022015). Collection method: clinical testing. Allele origin: germline.
Comment: This variant has not been reported in the literature in individuals with MSH6-related conditions. This sequence change replaces arginine with lysine at codon 1172 of the MSH6 protein (p.Arg1172Lys). The arginine residue is highly conserved and there is a small physicochemical difference between arginine and lysine. This variant is not present in population databases (ExAC no frequency). Advanced modeling of protein sequence and biophysical properties (such as structural, functional, and spatial information, amino acid conservation, physicochemical variation, residue mobility, and thermodynamic stability) performed at Invitae indicates that this missense variant is expected to disrupt MSH6 protein function. In summary, the available evidence is currently insufficient to determine the role of this variant in disease. Therefore, it has been classified as a Variant of Uncertain Significance.

NM_000179.3(MSH6):c.3515G>A (p.Arg1172Lys)

Gene: MSH6 (mutS homolog 6; plus strand). Cytogenetic location: 2p16.3.
Variant type: single nucleotide variant.
Coding change: c.3515G>A on transcript NM_000179.3 (MANE Select); coding-DNA position 3515, G replaced by A.
Protein change: p.Arg1172Lys; replaces arginine 1172 with lysine.
Molecular consequence: missense variant.
Genome position (GRCh38, 1-based): chr2:47,804,986, G>A. VCF-style: chr2-47804986-G-A. GRCh37 (hg19) VCF-style: chr2-48032125-G-A.
Other names: c.3515G>A (NM_000179.2); c.3125G>A, p.Arg1042Lys (NM_001281492.2); c.2609G>A, p.Arg870Lys (NM_001281493.2, NM_001281494.2); short protein forms R1042K, R1172K, R870K.
Identifiers: ClinVar variation 1351651 (VCV001351651.9), dbSNP rs864622217, ClinGen allele CA346760201.
Genomic context (GRCh38, chr2:47,804,986, plus strand): 5'-TAATGGCCCAGATGGGTTGTTACGTCCCTGCTGAAGTGTGCAGGCTCACACCAATTGATA[G>A]AGTGTTTACTAGACTTGGTGCCTCAGACAGAATAATGTCAGGTGAGTTTTTTGTTTCCCA-3'
Protein context (NP_000170.1, residues 1162-1182): AEVCRLTPID[Arg1172Lys]VFTRLGASDR